The following is an entry in ClinVar:

ClinVar aggregate classification (germline): Likely benign (0 of 4 stars; one submission).

Conditions:
DPP6-related disorder. Also called: DPP6-related condition.

Allele frequency attached by ClinVar (database versions not stated): TOPMed 0.00008; gnomAD 0.00009; gnomAD exomes 0.00009; ExAC 0.00016.
gnomAD v4.1: 154 of 1,605,918 alleles (0.0096%); highest among the groups gnomAD compares: Middle Eastern, 0.067%; no homozygotes.

Submission:

PreventionGenetics, part of Exact Sciences
Classification: Likely benign for DPP6-related condition. Last evaluated: 2020-07-13. Review status: no assertion criteria provided. Collection method: clinical testing. Allele origin: germline.
Comment: This variant is classified as likely benign based on ACMG/AMP sequence variant interpretation guidelines (Richards et al. 2015 PMID: 25741868, with internal and published modifications).

NM_130797.4(DPP6):c.1299+18G>A

Gene: DPP6 (dipeptidyl peptidase like 6; plus strand). Cytogenetic location: 7q36.2.
Variant type: single nucleotide variant.
Coding change: c.1299+18G>A on transcript NM_130797.4 (MANE Select); 18 bases into the intron after coding-DNA position 1299, G replaced by A.
Molecular consequence: intron variant. On other transcripts: synonymous variant (1).
Genome position (GRCh38, 1-based): chr7:154,795,901, G>A. VCF-style: chr7-154795901-G-A. GRCh37 (hg19) VCF-style: chr7-154587611-G-A.
Other names: c.1125G>A, p.Pro375= (NM_001364501.2); c.1116+18G>A (NM_001364500.2, NM_001364499.2, NM_001364497.2 and 1 more transcripts); c.1107+18G>A (NM_001039350.3); c.1113+18G>A (NM_001936.5); c.978+18G>A (NM_001290252.2).
Identifiers: ClinVar variation 3046523 (VCV003046523.2), dbSNP rs747799701, ClinGen allele CA4583502.